The following is an entry in ClinVar:

ClinVar aggregate classification (germline): Likely pathogenic (1 of 4 stars; one submission).

Conditions:
Early-infantile DEE. Also called: Early infantile epileptic encephalopathy; Ohtahara syndrome; Early infantile epileptic encephalopathy with suppression bursts. Identifiers: Orphanet 1934, MedGen C0393706, MONDO:0800491.

Submission:

Labcorp Genetics (formerly Invitae), Labcorp
Classification: Likely pathogenic for Early-infantile DEE. Last evaluated: 2023-02-01. Review status: criteria provided, single submitter. Criteria: Invitae Variant Classification Sherloc (09022015). Collection method: clinical testing. Allele origin: germline.
Comment: In summary, the currently available evidence indicates that the variant is pathogenic, but additional data are needed to prove that conclusively. Therefore, this variant has been classified as Likely Pathogenic. Advanced modeling of protein sequence and biophysical properties (such as structural, functional, and spatial information, amino acid conservation, physicochemical variation, residue mobility, and thermodynamic stability) performed at Invitae indicates that this missense variant is expected to disrupt SCN1A protein function. This missense change has been observed in individuals with epileptic encephalopathy with cerebellar atrophy (PMID: 31054490; Invitae). This variant is not present in population databases (gnomAD no frequency). This sequence change replaces isoleucine, which is neutral and non-polar, with threonine, which is neutral and polar, at codon 415 of the SCN1A protein (p.Ile415Thr).

Literature cited by the submitters: PubMed 31054490.

NM_001165963.4(SCN1A):c.1244T>C (p.Ile415Thr)

Gene: SCN1A (sodium voltage-gated channel alpha subunit 1; minus strand). Cytogenetic location: 2q24.3.
Variant type: single nucleotide variant.
Coding change: c.1244T>C on transcript NM_001165963.4 (MANE Select); coding-DNA position 1244, T replaced by C.
Protein change: p.Ile415Thr; replaces isoleucine 415 with threonine.
Molecular consequence: missense variant. On other transcripts: 5 prime UTR variant (1), non-coding transcript variant (1).
Genome position (GRCh38, 1-based): chr2:166,046,903, A>G on the plus strand (T>C on the coding strand, the complement: SCN1A is on the minus strand). VCF-style: chr2-166046903-A-G. GRCh37 (hg19) VCF-style: chr2-166903413-A-G.
Other names: c.1244T>C, p.Ile415Thr (NM_001165964.3, NM_001202435.3, NM_001353948.2 and 10 more transcripts); c.-1182T>C (NM_001353961.2); short protein forms I415T.
Identifiers: ClinVar variation 2907325 (VCV002907325.3), dbSNP rs2468181691, ClinGen allele CA349070897.